The following is an entry in ClinVar:

ClinVar aggregate classification (germline): Likely pathogenic. Review status: criteria provided, single submitter (1 of 4 stars). 2 submissions from 2 submitters: Likely pathogenic (1). 1 of the submissions does not count toward it. Last evaluated 2025-01-10.

Conditions:
Shwachman-Diamond syndrome 2. Identifiers: MedGen C4693704, MONDO:0044205, OMIM 617941.
Shwachman syndrome. Also called: Shwachman-Diamond Syndrome; PANCREATIC INSUFFICIENCY AND BONE MARROW DYSFUNCTION; SHWACHMAN-BODIAN SYNDROME. Identifiers: Orphanet 811, MedGen C0272170, MONDO:0009833.

Allele frequency attached by ClinVar (database versions not stated): ExAC 0.00002; gnomAD 0.00002; TOPMed 0.00003.
gnomAD v4.1: 19 of 1,613,956 alleles (0.0012%); highest among the groups gnomAD compares: African/African-American, 0.0067%; no homozygotes.

Submissions (2):

Broad Center for Mendelian Genomics, Broad Institute of MIT and Harvard
Classification: Likely pathogenic for Shwachman syndrome. Last evaluated: 2025-01-10. Review status: criteria provided, single submitter. Criteria: ACMG Guidelines, 2015. Collection method: curation. Allele origin: germline. Inheritance: Autosomal recessive inheritance.
Comment: The p.Phe505Ser variant in EFL1 has been reported, in the compound heterozygous state, in 1 individual with Shwachman-Diamond syndrome (PMID: 31151987), and has been identified in 0.007% (5/74914) of African/African American chromosomes by the Genome Aggregation Database (gnomAD; dbSNP rs763132789). Although this variant has been seen in the general population in a heterozygous state, its frequency is low enough to be consistent with a recessive carrier frequency. This variant has also been reported in ClinVar (Variation ID: 1686815) and has been interpreted as pathogenic by OMIM. In vitro functional studies provide some evidence that the p.Phe505Ser variant may impact protein function (PMID: 31151987). However, these types of assays may not accurately represent biological function. Computational prediction tools and conservation analyses do not provide strong support for or against an impact to the protein. The p.Phe505Ser variant is located in a region of EFL1 that is essential to protein folding and stability, suggesting that this variant is in a functional domain and slightly supports pathogenicity (PMID: 31151987). Although additional studies are required to fully establish its clinical significance, this variant is likely pathogenic for autosomal recessive Shwachman-Diamond syndrome, despite the moderate evidence for this gene-disease relationship. ACMG/AMP Criteria applied: PM3, PS3_moderate, PM1_supporting, PM2_supporting.

OMIM
Classification: Pathogenic for SHWACHMAN-DIAMOND SYNDROME 2. Last evaluated: 2022-04-18. Review status: no assertion criteria provided. Collection method: literature only. Allele origin: germline. Not counted in ClinVar's aggregate classification.

Literature cited by the submitters: PubMed 31151987 (cited by Broad Center for Mendelian Genomics, Broad Institute of MIT and Harvard and OMIM).

NM_024580.6(EFL1):c.1514T>C (p.Phe505Ser)

Gene: EFL1 (elongation factor like GTPase 1; minus strand). Cytogenetic location: 15q25.2.
Variant type: single nucleotide variant.
Coding change: c.1514T>C on transcript NM_024580.6 (MANE Select); coding-DNA position 1514, T replaced by C.
Protein change: p.Phe505Ser; replaces phenylalanine 505 with serine.
Molecular consequence: missense variant. On other transcripts: non-coding transcript variant (1).
Genome position (GRCh38, 1-based): chr15:82,219,749, A>G on the plus strand (T>C on the coding strand, the complement: EFL1 is on the minus strand). VCF-style: chr15-82219749-A-G. GRCh37 (hg19) VCF-style: chr15-82512090-A-G.
Other names: F505S; NM_024580.6(EFL1):c.1514T>C; p.Phe505Ser; c.1361T>C, p.Phe454Ser (NM_001040610.3); c.725T>C, p.Phe242Ser (NM_001322844.2); c.1514T>C, p.Phe505Ser (NM_001322845.2); short protein forms F242S, F454S.
Identifiers: ClinVar variation 1686815 (VCV001686815.2), dbSNP rs763132789, ClinGen allele CA7697956.
Genomic context (GRCh38, chr15:82,219,749, plus strand): 5'-AAGACAAAAATTTTCTTTCCTCTTCGAGCCACACCACTGAACACCCGAGCAAATGCAATA[A>G]AAGACTCTTGGTTGTTTTCTTCCTGGAGCACAGGTTTAGGGGTCATACTTTCCACCTGTT-3'
Protein context (NP_078856.4, residues 495-515): VLQEENNQES[Phe505Ser]IAFARVFSGV